The following is an entry in ClinVar:

NM_001080453.3(INTS1):c.1956G>A (p.Thr652=)

Gene: INTS1 (integrator complex subunit 1; minus strand). Cytogenetic location: 7p22.3.
Variant type: single nucleotide variant.
Coding change: c.1956G>A on transcript NM_001080453.3 (MANE Select); coding-DNA position 1956, G replaced by A.
Protein change: p.Thr652=; no amino-acid change (threonine 652 retained).
Molecular consequence: synonymous variant.
Genome position (GRCh38, 1-based): chr7:1,493,866, C>T on the plus strand (G>A on the coding strand, the complement: INTS1 is on the minus strand). VCF-style: chr7-1493866-C-T. GRCh37 (hg19) VCF-style: chr7-1533502-C-T.
Identifiers: ClinVar variation 2657209 (VCV002657209.24), dbSNP rs375550266, ClinGen allele CA4120066.

ClinVar aggregate classification (germline): Likely benign (1 of 4 stars; one submission).

Allele frequency attached by ClinVar (database versions not stated): ExAC 0.00011; ESP Exome Variant Server 0.00016; TOPMed 0.00023; gnomAD 0.00028.
gnomAD v4.1: 143 of 1,566,564 alleles (0.0091%); highest among the groups gnomAD compares: African/African-American, 0.081%; 1 homozygote.

Submission:

CeGaT Center for Human Genetics Tuebingen
Classification: Likely benign. Last evaluated: 2023-07-01. Review status: criteria provided, single submitter. Criteria: CeGaT Center For Human Genetics Tuebingen Variant Classification Criteria Version 2. Collection method: clinical testing. Allele origin: germline. Affected: yes. Observed: 1 variant allele.
Comment: INTS1: BP4, BP7